The following is an entry in ClinVar:

ClinVar aggregate classification (germline): Conflicting classifications of pathogenicity. Review status: criteria provided, conflicting classifications (1 of 4 stars). 5 submissions from 5 submitters: Uncertain significance (1); Likely benign (4). Last evaluated 2026-08-01.

Conditions:
Cardiovascular phenotype. Identifiers: MedGen CN230736.
Sitosterolemia (STSL). Also called: PHYTOSTEROLEMIA. Identifiers: Orphanet 2882, MedGen C0342907, MONDO:0008863.
ABCG5-related disorder. Also called: ABCG5-related condition.
Sitosterolemia 1. Identifiers: MedGen C2749759, MONDO:0020747, OMIM 210250.

Allele frequency attached by ClinVar (database versions not stated): TOPMed 0.00003; gnomAD 0.00005.
gnomAD v4.1: 77 of 1,614,070 alleles (0.0048%); highest among the groups gnomAD compares: Non-Finnish European, 0.0053%; no homozygotes.

Submissions (5):

CeGaT Center for Human Genetics Tuebingen
Classification: Likely benign. Last evaluated: 2026-08-01. Review status: criteria provided, single submitter. Criteria: CeGaT Center For Human Genetics Tuebingen Variant Classification Criteria Version 2. Collection method: clinical testing. Allele origin: germline. Affected: yes. Observed: 1 variant allele.
Comment: ABCG5: BP4, BP7

Labcorp Genetics (formerly Invitae), Labcorp
Classification: Likely benign for Sitosterolemia. Last evaluated: 2026-01-26. Review status: criteria provided, single submitter. Criteria: Invitae Variant Classification Sherloc (09022015). Collection method: clinical testing. Allele origin: germline.

PreventionGenetics, part of Exact Sciences
Classification: Likely benign for ABCG5-related condition. Last evaluated: 2025-11-24. Review status: criteria provided, single submitter. Criteria: ACMG Guidelines, 2015. Collection method: clinical testing. Allele origin: germline.
Comment: This variant is classified as likely benign based on ACMG/AMP sequence variant interpretation guidelines (Richards et al. 2015 PMID: 25741868, with internal and published modifications).

Ambry Genetics
Classification: Likely benign for Cardiovascular phenotype. Last evaluated: 2021-08-31. Review status: criteria provided, single submitter. Criteria: Ambry Variant Classification Scheme 2023. Collection method: clinical testing. Allele origin: germline.

Illumina Laboratory Services, Illumina
Classification: Uncertain significance for Sitosterolemia 1. Last evaluated: 2018-01-13. Review status: criteria provided, single submitter. Criteria: ICSL Variant Classification Criteria 13 December 2019. Collection method: clinical testing. Allele origin: germline.

NM_022436.3(ABCG5):c.1180C>T (p.Leu394=)

Genes: DYNC2LI1 (dynein cytoplasmic 2 light intermediate chain 1; plus strand), ABCG5 (ATP binding cassette subfamily G member 5; minus strand). Cytogenetic location: 2p21.
Variant type: single nucleotide variant.
Coding change: c.1180C>T on transcript NM_022436.3 (MANE Select); coding-DNA position 1180, C replaced by T.
Protein change: p.Leu394=; no amino-acid change (leucine 394 retained).
Molecular consequence: synonymous variant. On other transcripts: intron variant (2).
Genome position (GRCh38, 1-based): chr2:43,824,057, G>A on the plus strand (C>T on the coding strand, the complement: ABCG5 is on the minus strand). VCF-style: chr2-43824057-G-A. GRCh37 (hg19) VCF-style: chr2-44051196-G-A.
Other names: c.*16-3329G>A (NM_001348913.2, NM_001348912.2).
Identifiers: ClinVar variation 336041 (VCV000336041.15), dbSNP rs771802286, ClinGen allele CA1636374.